The following is an entry in ClinVar:

ClinVar aggregate classification (germline): Uncertain significance (1 of 4 stars; one submission).

Allele frequency attached by ClinVar (database versions not stated): gnomAD exomes below 0.00001; ExAC 0.00001.
gnomAD v4.1: 2 of 1,611,844 alleles (0.00012%); highest among the groups gnomAD compares: Non-Finnish European, 0.00017%; no homozygotes.

Submission:

Women's Health and Genetics/Laboratory Corporation of America, LabCorp
Classification: Uncertain significance. Last evaluated: 2023-01-27. Review status: criteria provided, single submitter. Criteria: LabCorp Variant Classification Summary - May 2015. Collection method: clinical testing. Allele origin: germline.
Comment: Variant summary: PUM1 c.535A>G (p.Thr179Ala) results in a non-conservative amino acid change in the encoded protein sequence. Three of five in-silico tools predict a benign effect of the variant on protein function. The variant allele was found at a frequency of 4e-06 in 250996 control chromosomes. The available data on variant occurrences in the general population are insufficient to allow any conclusion about variant significance. To our knowledge, no occurrence of c.535A>G in individuals affected with Spinocerebellar Ataxia 47 and no experimental evidence demonstrating its impact on protein function have been reported. No clinical diagnostic laboratories have submitted clinical-significance assessments for this variant to ClinVar after 2014. Based on the evidence outlined above, the variant was classified as uncertain significance.

NM_001020658.2(PUM1):c.535A>G (p.Thr179Ala)

Gene: PUM1 (pumilio RNA binding family member 1; minus strand). Cytogenetic location: 1p35.2.
Variant type: single nucleotide variant.
Coding change: c.535A>G on transcript NM_001020658.2 (MANE Select); coding-DNA position 535, A replaced by G.
Protein change: p.Thr179Ala; replaces threonine 179 with alanine.
Molecular consequence: missense variant.
Genome position (GRCh38, 1-based): chr1:31,007,000, T>C on the plus strand (A>G on the coding strand, the complement: PUM1 is on the minus strand). VCF-style: chr1-31007000-T-C. GRCh37 (hg19) VCF-style: chr1-31479847-T-C.
Other names: c.535A>G, p.Thr179Ala (NM_014676.3); short protein forms T179A.
Identifiers: ClinVar variation 2429169 (VCV002429169.3), dbSNP rs764873734, ClinGen allele CA729417.
Genomic context (GRCh38, chr1:31,007,000, plus strand): 5'-AAAGGAGCTCTAAGACAGGCATAAATCACAGTACAGATGCTAGATCTAGATTACCTGATG[T>C]TCCCCAGGCACTGTCTCGCCATTGATCACCCAGGAATATTCCTTTTGGTCCATCTTTGCT-3'
Protein context (NP_001018494.1, residues 169-189): GDQWRDSAWG[Thr179Ala]SDHSVSQPIM